The following is an entry in ClinVar:

ClinVar aggregate classification (germline): Likely benign (0 of 4 stars; one submission).

Conditions:
KCNC3-related disorder. Also called: KCNC3-related condition.

Allele frequency attached by ClinVar (database versions not stated): gnomAD exomes 0.00001; ExAC 0.00002; TOPMed 0.00003; gnomAD 0.00004; ESP Exome Variant Server 0.00023.
gnomAD v4.1: 28 of 1,613,778 alleles (0.0017%); highest among the groups gnomAD compares: African/African-American, 0.0053%; no homozygotes.

Submission:

PreventionGenetics, part of Exact Sciences
Classification: Likely benign for KCNC3-related condition. Last evaluated: 2019-04-03. Review status: no assertion criteria provided. Collection method: clinical testing. Allele origin: germline.
Comment: This variant is classified as likely benign based on ACMG/AMP sequence variant interpretation guidelines (Richards et al. 2015 PMID: 25741868, with internal and published modifications).

NM_004977.3(KCNC3):c.1002G>A (p.Pro334=)

Gene: KCNC3 (potassium voltage-gated channel subfamily C member 3; minus strand). Cytogenetic location: 19q13.33.
Variant type: single nucleotide variant.
Coding change: c.1002G>A on transcript NM_004977.3 (MANE Select); coding-DNA position 1002, G replaced by A.
Protein change: p.Pro334=; no amino-acid change (proline 334 retained).
Molecular consequence: synonymous variant.
Genome position (GRCh38, 1-based): chr19:50,323,951, C>T on the plus strand (G>A on the coding strand, the complement: KCNC3 is on the minus strand). VCF-style: chr19-50323951-C-T. GRCh37 (hg19) VCF-style: chr19-50827208-C-T.
Other names: c.774G>A, p.Pro258= (NM_001372305.1).
Identifiers: ClinVar variation 3046298 (VCV003046298.2), dbSNP rs145167102, ClinGen allele CA9594308.
Genomic context (GRCh38, chr19:50,323,951, plus strand): 5'-CACCCCCTCCACGTAGGTCAGGAAGGGCTCCGTCTCCACCTCCACGTTGGTGATGTTCTC[C>T]GGAGGTGCCCCGGGGATCGGGGAGGCCTGGGTCACCGTCTTGTTGCTAATATGGATGAAG-3'
Protein context (NP_004968.2, residues 324-344): TQASPIPGAP[Pro334=]ENITNVEVET